The following is an entry in ClinVar:

NM_002838.5(PTPRC):c.1864+4_1864+7del

Gene: PTPRC (protein tyrosine phosphatase receptor type C; plus strand). Cytogenetic location: 1q32.1.
Variant type: Deletion.
Coding change: c.1864+4_1864+7del on transcript NM_002838.5 (MANE Select); bases 4 to 7 of the intron after coding-DNA position 1864, 4 bases deleted (AGTA; older notation c.1864+4_1864+7delAGTA).
Molecular consequence: splice donor variant.
Genome position (GRCh38, 1-based): chr1:198,729,175-198,729,178, AGTA deleted; deleting any 4 consecutive bases within chr1:198,729,172-198,729,178 gives the same sequence; the c. name uses the placement nearest the transcript's 3' end. VCF-style (leftmost placement, unchanged base first): chr1-198729171-GGTAA-G. GRCh37 (hg19) VCF-style: chr1-198698300-GGTAA-G.
Other names: c.1864+4_1864+7delAGTA (NM_002838.4); c.1381+4_1381+7del (NM_080921.4).
Identifiers: ClinVar variation 1419143 (VCV001419143.4), dbSNP rs773117955, ClinGen allele CA1314918.
Genomic context (GRCh38, chr1:198,729,171, plus strand): 5'-GAAACTTATTTTTCCTATTTTCACAGCAATTTAGATGAACAGCAGGAGCTTGTTGAAAGG[GGTAA>G]GTATGTATATTTTTGCTGATGACTATTCCTTCCCCTGCATTTGAATCCATTCATTTTATT-3'

ClinVar aggregate classification (germline): Uncertain significance. Review status: criteria provided, multiple submitters, no conflicts (2 of 4 stars). 2 submissions from 2 submitters: Uncertain significance (2). Last evaluated 2023-12-11.

Conditions:
Immunodeficiency 104. Also called: Severe Combined Immune Deficiency, Autosomal Recessive, TCell -Negative, B Cell-Positive, NK Cell-Positive, IL7R-Related; IMMUNODEFICIENCY 104, SEVERE COMBINED; SCID, AUTOSOMAL RECESSIVE, T CELL-NEGATIVE, B CELL-POSITIVE, NK CELL-POSITIVE; Severe combined immunodeficiency, autosomal recessive, T cell-negative, B cell-positive, NK cell-positive. Identifiers: MedGen C5676890, MONDO:0012163, OMIM 608971.

Submissions (2):

Labcorp Genetics (formerly Invitae), Labcorp
Classification: Uncertain significance for Immunodeficiency 104. Last evaluated: 2023-12-11. Review status: criteria provided, single submitter. Criteria: Invitae Variant Classification Sherloc (09022015). Collection method: clinical testing. Allele origin: germline.
Comment: This sequence change falls in intron 17 of the PTPRC gene. It does not directly change the encoded amino acid sequence of the PTPRC protein. It affects a nucleotide within the consensus splice site. This variant is present in population databases (rs773117955, gnomAD 0.03%), including at least one homozygous and/or hemizygous individual. This variant has not been reported in the literature in individuals affected with PTPRC-related conditions. ClinVar contains an entry for this variant (Variation ID: 1419143). Variants that disrupt the consensus splice site are a relatively common cause of aberrant splicing (PMID: 17576681, 9536098). Algorithms developed to predict the effect of sequence changes on RNA splicing suggest that this variant is not likely to affect RNA splicing. In summary, the available evidence is currently insufficient to determine the role of this variant in disease. Therefore, it has been classified as a Variant of Uncertain Significance.

Women's Health and Genetics/Laboratory Corporation of America, LabCorp
Classification: Uncertain significance. Last evaluated: 2023-05-10. Review status: criteria provided, single submitter. Criteria: LabCorp Variant Classification Summary - May 2015. Collection method: clinical testing. Allele origin: germline.

Literature cited by the submitters: PubMed 17576681 (cited by Labcorp Genetics (formerly Invitae), Labcorp); PubMed 9536098 (cited by Labcorp Genetics (formerly Invitae), Labcorp).